The following is an entry in ClinVar:

NM_153026.3(PRICKLE1):c.820G>C (p.Ala274Pro)

Genes: PRICKLE1 (prickle planar cell polarity protein 1; minus strand), LOC126861509 (BRD4-independent group 4 enhancer GRCh37_chr12:42858567-42859766; plus strand). Cytogenetic location: 12q12.
Variant type: single nucleotide variant.
Coding change: c.820G>C on transcript NM_153026.3 (MANE Select); coding-DNA position 820, G replaced by C.
Protein change: p.Ala274Pro; replaces alanine 274 with proline.
Molecular consequence: missense variant.
Genome position (GRCh38, 1-based): chr12:42,465,214, C>G on the plus strand (G>C on the coding strand, the complement: PRICKLE1 is on the minus strand). VCF-style: chr12-42465214-C-G. GRCh37 (hg19) VCF-style: chr12-42859016-C-G.
Other names: c.820G>C, p.Ala274Pro (NM_001144881.2, NM_001144882.2, NM_001144883.2); c.820G>C (NM_153026.2); short protein forms A274P.
Identifiers: ClinVar variation 1376932 (VCV001376932.4), dbSNP rs762434475, ClinGen allele CA384443082.
Genomic context (GRCh38, chr12:42,465,214, plus strand): 5'-GGAAGGGACATCCCAACAAAGAGGCTTTACACTGGGCACAAGAAAAGCAGGCTTCCGTGG[C>G]GTGCCAGTGCTGCCCGTCATAGGTCATCTGTGCATGGTCCACACCTGTTTTGAAAAGGAT-3'
Protein context (NP_694571.2, residues 264-284): QMTYDGQHWH[Ala274Pro]TEACFSCAQC

ClinVar aggregate classification (germline): Uncertain significance. Review status: criteria provided, multiple submitters, no conflicts (2 of 4 stars). 2 submissions from 2 submitters: Uncertain significance (2). Last evaluated 2025-10-22.

Conditions:
Epilepsy, progressive myoclonic, 1B. Also called: PME. Identifiers: Orphanet 308, MedGen C2676254, MONDO:0012904, OMIM 612437.

Submissions (2):

Ambry Genetics
Classification: Uncertain significance. Last evaluated: 2025-10-22. Review status: criteria provided, single submitter. Criteria: Ambry Variant Classification Scheme 2023. Collection method: clinical testing. Allele origin: germline.

Labcorp Genetics (formerly Invitae), Labcorp
Classification: Uncertain significance for Epilepsy, progressive myoclonic, 1B. Last evaluated: 2021-11-02. Review status: criteria provided, single submitter. Criteria: Invitae Variant Classification Sherloc (09022015). Collection method: clinical testing. Allele origin: germline.
Comment: This sequence change replaces alanine, which is neutral and non-polar, with proline, which is neutral and non-polar, at codon 274 of the PRICKLE1 protein (p.Ala274Pro). This variant is not present in population databases (gnomAD no frequency). This variant has not been reported in the literature in individuals affected with PRICKLE1-related conditions. Algorithms developed to predict the effect of missense changes on protein structure and function are either unavailable or do not agree on the potential impact of this missense change (SIFT: "Deleterious"; PolyPhen-2: "Probably Damaging"; Align-GVGD: "Class C0"). In summary, the available evidence is currently insufficient to determine the role of this variant in disease. Therefore, it has been classified as a Variant of Uncertain Significance.